The following is an entry in ClinVar:

NM_001386393.1(PANK2):c.579del (p.Phe194fs)

Gene: PANK2 (pantothenate kinase 2; plus strand). Cytogenetic location: 20p13.
Variant type: Deletion.
Coding change: c.579del on transcript NM_001386393.1 (MANE Select); coding-DNA position 579, one base deleted (C; older notation c.579delC).
Protein change: p.Phe194fs; shifts the reading frame from phenylalanine 194.
Molecular consequence: frameshift variant. On other transcripts: intron variant (1).
Genome position (GRCh38, 1-based): chr20:3,908,206, C deleted. VCF-style (leftmost placement, unchanged base first): chr20-3908205-AC-A. GRCh37 (hg19) VCF-style: chr20-3888852-AC-A.
Other names: c.36del, p.Phe13fs (NM_001324191.2, NM_024960.6, NM_153640.4); c.909del, p.Phe304fs (NM_001324192.1, NM_153638.4); c.-328+71del (NM_001324193.2); short protein forms F13fs, F304fs, F194fs.
Identifiers: ClinVar variation 579971 (VCV000579971.2), dbSNP rs1568569941, ClinGen allele CA891843511.
Genomic context (GRCh38, chr20:3,908,205, plus strand): 5'-ACTTTATACGCTTTCCCACTCATGACATGCCTGCTTTTATTCAAATGGGCAGAGATAAAA[AC>A]TTCTCGAGTCTCCACACTGTCTTTTGTGCCACTGGAGGTGGAGCGTACAAATTTGAGCAG-3'

ClinVar aggregate classification (germline): Pathogenic (1 of 4 stars; one submission).

Conditions:
Pigmentary pallidal degeneration (NBIA1). Also called: PKAN NEUROAXONAL DYSTROPHY, JUVENILE-ONSET; HARP SYNDROME; Pantothenate Kinase-Associated Neurodegeneration; Neuroaxonal dystrophy, late infantile; Hallervorden-Spatz disease; Neurodegeneration with brain iron accumulation 1. Identifiers: Orphanet 157850, MedGen C0018523, MONDO:0009319, OMIM 234200.

Submission:

Labcorp Genetics (formerly Invitae), Labcorp
Classification: Pathogenic for Pigmentary pallidal degeneration. Last evaluated: 2018-07-05. Review status: criteria provided, single submitter. Criteria: Invitae Variant Classification Sherloc (09022015). Collection method: clinical testing. Allele origin: germline.
Comment: This sequence change creates a premature translational stop signal (p.Phe304Serfs*25) in the PANK2 gene. It is expected to result in an absent or disrupted protein product. This variant is not present in population databases (ExAC no frequency). This variant has not been reported in the literature in individuals with PANK2-related disease. Loss-of-function variants in PANK2 are known to be pathogenic (PMID: 11479594, 12510040). For these reasons, this variant has been classified as Pathogenic.